The following is an entry in ClinVar:

ClinVar aggregate classification (germline): Uncertain significance (1 of 4 stars; one submission).

Allele frequency attached by ClinVar (database versions not stated): ExAC 0.00003; TOPMed 0.00001.
gnomAD v4.1: 15 of 1,607,962 alleles (0.00093%); highest among the groups gnomAD compares: African/African-American, 0.0013%; no homozygotes.

Submission:

Labcorp Genetics (formerly Invitae), Labcorp
Classification: Uncertain significance. Last evaluated: 2025-10-22. Review status: criteria provided, single submitter. Criteria: Invitae Variant Classification Sherloc (09022015). Collection method: clinical testing. Allele origin: germline.
Comment: This sequence change replaces proline, which is neutral and non-polar, with serine, which is neutral and polar, at codon 99 of the NAF1 protein (p.Pro99Ser). This variant is present in population databases (rs758040980, gnomAD 0.007%). This variant has not been reported in the literature in individuals affected with NAF1-related conditions. ClinVar contains an entry for this variant (Variation ID: 2987474). An algorithm developed to predict the effect of missense changes on protein structure and function outputs the following: PolyPhen-2: "Benign". The serine amino acid residue is found in multiple mammalian species, which suggests that this missense change does not adversely affect protein function. In summary, the available evidence is currently insufficient to determine the role of this variant in disease. Therefore, it has been classified as a Variant of Uncertain Significance.

NM_138386.3(NAF1):c.295C>T (p.Pro99Ser)

Gene: NAF1 (nuclear assembly factor 1 ribonucleoprotein; minus strand). Cytogenetic location: 4q32.2.
Variant type: single nucleotide variant.
Coding change: c.295C>T on transcript NM_138386.3 (MANE Select); coding-DNA position 295, C replaced by T.
Protein change: p.Pro99Ser; replaces proline 99 with serine.
Molecular consequence: missense variant.
Genome position (GRCh38, 1-based): chr4:163,166,433, G>A on the plus strand (C>T on the coding strand, the complement: NAF1 is on the minus strand). VCF-style: chr4-163166433-G-A. GRCh37 (hg19) VCF-style: chr4-164087585-G-A.
Other names: c.295C>T, p.Pro99Ser (NM_001128931.2); short protein forms P99S.
Identifiers: ClinVar variation 2987474 (VCV002987474.3), dbSNP rs758040980, ClinGen allele CA3126427.